The following is an entry in ClinVar:

NM_001371727.1(GABRB2):c.329G>A (p.Arg110Lys)

Gene: GABRB2 (gamma-aminobutyric acid type A receptor subunit beta2; minus strand). Cytogenetic location: 5q34.
Variant type: single nucleotide variant.
Coding change: c.329G>A on transcript NM_001371727.1 (MANE Select); coding-DNA position 329, G replaced by A.
Protein change: p.Arg110Lys; replaces arginine 110 with lysine.
Molecular consequence: missense variant.
Genome position (GRCh38, 1-based): chr5:161,459,753, C>T on the plus strand (G>A on the coding strand, the complement: GABRB2 is on the minus strand). VCF-style: chr5-161459753-C-T. GRCh37 (hg19) VCF-style: chr5-160886759-C-T.
Other names: c.329G>A, p.Arg110Lys (NM_000813.3, NM_021911.3); short protein forms R110K.
Identifiers: ClinVar variation 3363441 (VCV003363441.1).

ClinVar aggregate classification (germline): Uncertain significance (1 of 4 stars; one submission).

gnomAD v4.1: 1 of 1,613,940 alleles (0.000062%); highest among the groups gnomAD compares: Non-Finnish European, 0.000085%; no homozygotes.

Submission:

GeneDx
Classification: Uncertain significance. Last evaluated: 2023-10-24. Review status: criteria provided, single submitter. Criteria: GeneDx Variant Classification Process June 2021. Collection method: clinical testing. Allele origin: germline. Affected: yes.
Comment: Not observed at significant frequency in large population cohorts (gnomAD); In silico analysis supports that this missense variant does not alter protein structure/function; Has not been previously published as pathogenic or benign to our knowledge